The following is an entry in ClinVar:

NM_022455.5(NSD1):c.1477C>G (p.Pro493Ala)

Gene: NSD1 (nuclear receptor binding SET domain protein 1; plus strand). Cytogenetic location: 5q35.3.
Variant type: single nucleotide variant.
Coding change: c.1477C>G on transcript NM_022455.5 (MANE Select); coding-DNA position 1477, C replaced by G.
Protein change: p.Pro493Ala; replaces proline 493 with alanine.
Molecular consequence: missense variant.
Genome position (GRCh38, 1-based): chr5:177,209,876, C>G. VCF-style: chr5-177209876-C-G. GRCh37 (hg19) VCF-style: chr5-176636877-C-G.
Other names: c.604C>G, p.Pro202Ala (NM_001365684.2, NM_001409306.1, NM_001409307.1 and 3 more transcripts); c.1477C>G, p.Pro493Ala (NM_001409301.1, NM_001409302.1, NM_001409303.1); c.1057C>G, p.Pro353Ala (NM_001409304.1); c.724C>G, p.Pro242Ala (NM_001409305.1); short protein forms P493A, P224A, P353A, P202A, P242A.
Identifiers: ClinVar variation 454042 (VCV000454042.17), dbSNP rs375051877, ClinGen allele CA3577098.

ClinVar aggregate classification (germline): Benign/Likely benign. Review status: criteria provided, multiple submitters, no conflicts (2 of 4 stars). 6 submissions from 6 submitters: Benign (1); Likely benign (4). 1 of the submissions does not count toward it. Last evaluated 2025-02-07.

Conditions:
Sotos syndrome (SOTOS). Also called: CEREBRAL GIGANTISM; Sotos' syndrome; Distinctive facial appearance, overgrowth in childhood, and learning disabilities or delayed development; CHROMOSOME 5q35 DELETION SYNDROME; SOTOS SYNDROME 1. Identifiers: Orphanet 821, MedGen C0175695, MONDO:0019349, OMIM 117550.
NSD1-related disorder. Also called: NSD1-related condition.
Inborn genetic diseases. Identifiers: MedGen C0950123, MeSH D030342.

Allele frequency attached by ClinVar (database versions not stated): gnomAD exomes 0.00001 and 0.00004; TOPMed 0.00008; ExAC 0.00003; gnomAD 0.00009; ESP Exome Variant Server 0.00008.
gnomAD v4.1: 30 of 1,613,996 alleles (0.0019%); highest among the groups gnomAD compares: African/African-American, 0.035%; no homozygotes.

Submissions (6):

Labcorp Genetics (formerly Invitae), Labcorp
Classification: Benign. Last evaluated: 2025-02-07. Review status: criteria provided, single submitter. Criteria: Invitae Variant Classification Sherloc (09022015). Collection method: clinical testing. Allele origin: germline.

Ambry Genetics
Classification: Likely benign for Inborn genetic diseases. Last evaluated: 2025-01-22. Review status: criteria provided, single submitter. Criteria: Ambry Variant Classification Scheme 2023. Collection method: clinical testing. Allele origin: germline.

Women's Health and Genetics/Laboratory Corporation of America, LabCorp
Classification: Likely benign. Last evaluated: 2023-08-03. Review status: criteria provided, single submitter. Criteria: LabCorp Variant Classification Summary - May 2015. Collection method: clinical testing. Allele origin: germline.
Comment: Variant summary: NSD1 c.1477C>G (p.Pro493Ala) results in a non-conservative amino acid change in the encoded protein sequence. Four of five in-silico tools predict a benign effect of the variant on protein function. The variant allele was found at a frequency of 5e-05 in 282496 control chromosomes (i.e. 14 heterozygotes) in gnomAD v2.1. The relatively high number of carriers suggests a benign role for this variant for an early onset, high penetrance dominant disease phenotype. To our knowledge, no occurrence of c.1477C>G in individuals affected with Sotos Syndrome and no experimental evidence demonstrating its impact on protein function have been reported. Three submitters have cited clinical-significance assessments for this variant to ClinVar after 2014. All submitters classified the variant as benign/likely benign. Based on the evidence outlined above, the variant was classified as likely benign.

Genome-Nilou Lab
Classification: Likely benign for Sotos syndrome. Last evaluated: 2021-07-15. Review status: criteria provided, single submitter. Criteria: ACMG Guidelines, 2015. Collection method: clinical testing. Allele origin: germline. Affected: no.

GeneDx
Classification: Likely benign. Last evaluated: 2019-11-08. Review status: criteria provided, single submitter. Criteria: GeneDx Variant Classification Process June 2021. Collection method: clinical testing. Allele origin: germline. Affected: yes.

PreventionGenetics, part of Exact Sciences
Classification: Likely benign for NSD1-related condition. Last evaluated: 2023-11-14. Review status: no assertion criteria provided. Collection method: clinical testing. Allele origin: germline. Not counted in ClinVar's aggregate classification.
Comment: This variant is classified as likely benign based on ACMG/AMP sequence variant interpretation guidelines (Richards et al. 2015 PMID: 25741868, with internal and published modifications).